The following is an entry in ClinVar:

ClinVar aggregate classification (germline): Uncertain significance. Review status: criteria provided, multiple submitters, no conflicts (2 of 4 stars). 3 submissions from 3 submitters: Uncertain significance (3). Last evaluated 2025-06-12.

Conditions:
Hereditary cancer-predisposing syndrome. Also called: Neoplastic Syndromes, Hereditary; Tumor predisposition; Hereditary Cancer Syndrome; Hereditary neoplastic syndrome. Identifiers: Orphanet 140162, MedGen C0027672, MeSH D009386, MONDO:0015356.
Endometrial carcinoma. Also called: Endometrial carcinoma, somatic. Identifiers: MedGen C0476089, MONDO:0002447, OMIM 608089, HP:0012114.

Allele frequency attached by ClinVar (database versions not stated): gnomAD exomes below 0.00001 and 0.00001.
gnomAD v4.1: 11 of 1,613,432 alleles (0.00068%); highest among the groups gnomAD compares: Non-Finnish European, 0.00093%; no homozygotes.

Submissions (3):

Ambry Genetics
Classification: Uncertain significance for Hereditary cancer-predisposing syndrome. Last evaluated: 2025-06-12. Review status: criteria provided, single submitter. Criteria: Ambry Variant Classification Scheme 2023. Collection method: clinical testing. Allele origin: germline.
Comment: The p.P657L variant (also known as c.1970C>T), located in coding exon 14 of the MSH3 gene, results from a C to T substitution at nucleotide position 1970. The proline at codon 657 is replaced by leucine, an amino acid with similar properties. This amino acid position is conserved. In addition, this alteration is predicted to be deleterious by in silico analysis. Since supporting evidence is limited at this time, the clinical significance of this alteration remains unclear.

Labcorp Genetics (formerly Invitae), Labcorp
Classification: Uncertain significance. Last evaluated: 2024-12-23. Review status: criteria provided, single submitter. Criteria: Invitae Variant Classification Sherloc (09022015). Collection method: clinical testing. Allele origin: germline.
Comment: This sequence change replaces proline, which is neutral and non-polar, with leucine, which is neutral and non-polar, at codon 657 of the MSH3 protein (p.Pro657Leu). This variant is present in population databases (no rsID available, gnomAD 0.0009%). This variant has not been reported in the literature in individuals affected with MSH3-related conditions. ClinVar contains an entry for this variant (Variation ID: 1001035). An algorithm developed to predict the effect of missense changes on protein structure and function (PolyPhen-2) suggests that this variant is likely to be disruptive. In summary, the available evidence is currently insufficient to determine the role of this variant in disease. Therefore, it has been classified as a Variant of Uncertain Significance.

Baylor Genetics
Classification: Uncertain significance for Endometrial carcinoma. Last evaluated: 2024-03-05. Review status: criteria provided, single submitter. Criteria: ACMG Guidelines, 2015. Collection method: clinical testing. Allele origin: unknown.

NM_002439.5(MSH3):c.1970C>T (p.Pro657Leu)

Gene: MSH3 (mutS homolog 3; plus strand). Cytogenetic location: 5q14.1.
Variant type: single nucleotide variant.
Coding change: c.1970C>T on transcript NM_002439.5 (MANE Select); coding-DNA position 1970, C replaced by T.
Protein change: p.Pro657Leu; replaces proline 657 with leucine.
Molecular consequence: missense variant.
Genome position (GRCh38, 1-based): chr5:80,768,006, C>T. VCF-style: chr5-80768006-C-T. GRCh37 (hg19) VCF-style: chr5-80063825-C-T.
Other names: short protein forms P657L.
Identifiers: ClinVar variation 1001035 (VCV001001035.12), dbSNP rs996312502, ClinGen allele CA121319931.